The following is an entry in ClinVar:

ClinVar aggregate classification (germline): Uncertain significance (1 of 4 stars; one submission).

Conditions:
Cardiovascular phenotype. Identifiers: MedGen CN230736.

gnomAD v4.1: 1 of 1,613,152 alleles (0.000062%); highest among the groups gnomAD compares: Non-Finnish European, 0.000085%; no homozygotes.

Submission:

Ambry Genetics
Classification: Uncertain significance for Cardiovascular phenotype. Last evaluated: 2024-12-13. Review status: criteria provided, single submitter. Criteria: Ambry Variant Classification Scheme 2023. Collection method: clinical testing. Allele origin: germline.
Comment: The p.E2039D variant (also known as c.6117G>T), located in coding exon 25 of the AKAP9 gene, results from a G to T substitution at nucleotide position 6117. The glutamic acid at codon 2039 is replaced by aspartic acid, an amino acid with highly similar properties. This amino acid position is conserved. In addition, this alteration is predicted to be tolerated by in silico analysis. Based on the available evidence, the clinical significance of this variant remains unclear.

NM_005751.5(AKAP9):c.6117G>T (p.Glu2039Asp)

Gene: AKAP9 (A-kinase anchoring protein 9; plus strand). Cytogenetic location: 7q21.2.
Variant type: single nucleotide variant.
Coding change: c.6117G>T on transcript NM_005751.5 (MANE Select); coding-DNA position 6117, G replaced by T.
Protein change: p.Glu2039Asp; replaces glutamic acid 2039 with aspartic acid.
Molecular consequence: missense variant.
Genome position (GRCh38, 1-based): chr7:92,065,370, G>T. VCF-style: chr7-92065370-G-T. GRCh37 (hg19) VCF-style: chr7-91694684-G-T.
Other names: c.762G>T, p.Glu254Asp (NM_001379277.1); c.6117G>T, p.Glu2039Asp (NM_147185.3); short protein forms E254D, E2039D.
Identifiers: ClinVar variation 3849183 (VCV003849183.1).